The following is an entry in ClinVar:

NM_006506.5(RASA2):c.531C>G (p.Ile177Met)

Gene: RASA2 (RAS p21 protein activator 2; plus strand). Cytogenetic location: 3q23.
Variant type: single nucleotide variant.
Coding change: c.531C>G on transcript NM_006506.5 (MANE Select); coding-DNA position 531, C replaced by G.
Protein change: p.Ile177Met; replaces isoleucine 177 with methionine.
Molecular consequence: missense variant.
Genome position (GRCh38, 1-based): chr3:141,553,860, C>G. VCF-style: chr3-141553860-C-G. GRCh37 (hg19) VCF-style: chr3-141272702-C-G.
Other names: c.531C>G, p.Ile177Met (NM_001303245.3, NM_001303246.3); short protein forms I177M.
Identifiers: ClinVar variation 4575853 (VCV004575853.1).
Genomic context (GRCh38, chr3:141,553,860, plus strand): 5'-TGTTTTATCTTGTTTAACTGGAATCTAATATGTTAAATCTCTTTTATTCTACCTTAGCAT[C>G]AAGGCATGCCATGGGTTGCCTCTCATAAATGGCCAAAGCTGTGACCCTTATGCAACAGTT-3'
Protein context (NP_006497.2, residues 167-187): GTVCQQLVVH[Ile177Met]KACHGLPLIN

ClinVar aggregate classification (germline): Uncertain significance (1 of 4 stars; one submission).

Submission:

Ambry Genetics
Classification: Uncertain significance. Last evaluated: 2025-10-01. Review status: criteria provided, single submitter. Criteria: Ambry Variant Classification Scheme 2023. Collection method: clinical testing. Allele origin: germline.
Comment: The p.I177M variant (also known as c.531C>G), located in coding exon 6 of the RASA2 gene, results from a C to G substitution at nucleotide position 531. The isoleucine at codon 177 is replaced by methionine, an amino acid with highly similar properties. This amino acid position is conserved. In addition, the in silico prediction for this alteration is inconclusive. Based on the available evidence, the clinical significance of this variant remains unclear.